The following is an entry in ClinVar:

ClinVar aggregate classification (germline): Uncertain significance (1 of 4 stars; one submission).

Conditions:
Progressive familial heart block type IB (PFHB1B). Identifiers: Orphanet 871, MedGen C1970298, MONDO:0011474, OMIM 604559.

Submission:

Labcorp Genetics (formerly Invitae), Labcorp
Classification: Uncertain significance for Progressive familial heart block type IB. Last evaluated: 2025-01-27. Review status: criteria provided, single submitter. Criteria: Invitae Variant Classification Sherloc (09022015). Collection method: clinical testing. Allele origin: germline.
Comment: This sequence change replaces proline, which is neutral and non-polar, with threonine, which is neutral and polar, at codon 979 of the TRPM4 protein (p.Pro979Thr). Information on the frequency of this variant in the gnomAD database is not available, as this variant may be reported differently in the database. This variant has not been reported in the literature in individuals affected with TRPM4-related conditions. Experimental studies and prediction algorithms are not available or were not evaluated, and the functional significance of this variant is currently unknown. In summary, the available evidence is currently insufficient to determine the role of this variant in disease. Therefore, it has been classified as a Variant of Uncertain Significance.

NM_017636.4(TRPM4):c.2934_2935delinsCA (p.Pro979Thr)

Gene: TRPM4 (transient receptor potential cation channel subfamily M member 4; plus strand). Cytogenetic location: 19q13.33.
Variant type: Indel.
Coding change: c.2934_2935delinsCA on transcript NM_017636.4 (MANE Select); coding-DNA positions 2934 to 2935, TC replaced by CA.
Protein change: p.Pro979Thr; replaces proline 979 with threonine.
Molecular consequence: missense variant.
Genome position (GRCh38, 1-based): chr19:49,200,766-49,200,767, TC replaced by CA. VCF-style: chr19-49200766-TC-CA. GRCh37 (hg19) VCF-style: chr19-49704023-TC-CA.
Other names: c.2499_2500delinsCA, p.Pro834Thr (NM_001195227.2); c.2589_2590delinsCA, p.Pro864Thr (NM_001321281.2); c.1326_1327delinsCA, p.Pro443Thr (NM_001321282.2); c.2412_2413delinsCA, p.Pro805Thr (NM_001321283.2); c.1872_1873delinsCA, p.Pro625Thr (NM_001321285.2); short protein forms P625T, P979T, P443T, P864T, P805T, P834T.
Identifiers: ClinVar variation 3663876 (VCV003663876.2).
Genomic context (GRCh38, chr19:49,200,766, plus strand): 5'-CTTCCCAAGTATCCTGCGCCGCGTCTTCTACCGTCCCTACCTGCAGATCTTCGGGCAGAT[TC>CA]CCCAGGAGGACATGGACGGTAGGGGGGATGACGGCCTGACAGCCTTCCTCTGAGTCTCTG-3'
Protein context (NP_060106.2, residues 969-989): RPYLQIFGQI[Pro979Thr]QEDMDVALME